The following is an entry in ClinVar:

NM_000548.5(TSC2):c.5317C>A (p.His1773Asn)

Gene: TSC2 (TSC complex subunit 2; plus strand). Cytogenetic location: 16p13.3.
Variant type: single nucleotide variant.
Coding change: c.5317C>A on transcript NM_000548.5 (MANE Select); coding-DNA position 5317, C replaced by A.
Protein change: p.His1773Asn; replaces histidine 1773 with asparagine.
Molecular consequence: missense variant.
Genome position (GRCh38, 1-based): chr16:2,088,503, C>A. VCF-style: chr16-2088503-C-A. GRCh37 (hg19) VCF-style: chr16-2138504-C-A.
Other names: c.5317C>A (NM_000548.4); c.5116C>A, p.His1706Asn (NM_001077183.3); c.5248C>A, p.His1750Asn (NM_001114382.3); c.5008C>A, p.His1670Asn (NM_001318827.2); c.4972C>A, p.His1658Asn (NM_001318829.2); c.4585C>A, p.His1529Asn (NM_001318831.2); c.5149C>A, p.His1717Asn (NM_001318832.2); c.5119C>A, p.His1707Asn (NM_001363528.2); and 3 more; short protein forms H1670N, H1706N, H1773N, H1707N, H1717N, H1726N, H1730N, H1529N.
Identifiers: ClinVar variation 949721 (VCV000949721.14), dbSNP rs1030998097, ClinGen allele CA394315458.

ClinVar aggregate classification (germline): Uncertain significance. Review status: criteria provided, multiple submitters, no conflicts (2 of 4 stars). 5 submissions from 5 submitters: Uncertain significance (4). 1 of the submissions does not count toward it. Last evaluated 2025-03-01.

Conditions:
TSC2-related disorder. Also called: TSC2-related condition; TSC2-Related Disorders.
Hereditary cancer-predisposing syndrome. Also called: Hereditary neoplastic syndrome; Tumor predisposition; Neoplastic Syndromes, Hereditary; Hereditary Cancer Syndrome. Identifiers: Orphanet 140162, MedGen C0027672, MeSH D009386, MONDO:0015356.
Tuberous sclerosis 2 (TSC2). Identifiers: Orphanet 805, MedGen C1860707, MONDO:0013199, OMIM 613254.

Submissions (5):

Quest Diagnostics Nichols Institute San Juan Capistrano
Classification: Uncertain significance. Last evaluated: 2025-03-01. Review status: criteria provided, single submitter. Criteria: Quest Diagnostics criteria. Collection method: clinical testing. Allele origin: unknown.

Ambry Genetics
Classification: Uncertain significance for Hereditary cancer-predisposing syndrome. Last evaluated: 2024-03-17. Review status: criteria provided, single submitter. Criteria: Ambry Variant Classification Scheme 2023. Collection method: clinical testing. Allele origin: germline.
Comment: The p.H1773N variant (also known as c.5317C>A), located in coding exon 41 of the TSC2 gene, results from a C to A substitution at nucleotide position 5317. The histidine at codon 1773 is replaced by asparagine, an amino acid with similar properties. This amino acid position is not well conserved in available vertebrate species. In addition, the in silico prediction for this alteration is inconclusive. Since supporting evidence is limited at this time, the clinical significance of this alteration remains unclear.

GeneDx
Classification: Uncertain significance. Last evaluated: 2023-11-30. Review status: criteria provided, single submitter. Criteria: GeneDx Variant Classification Process June 2021. Collection method: clinical testing. Allele origin: germline. Affected: yes.
Comment: Not observed at significant frequency in large population cohorts (gnomAD); In silico analysis supports that this missense variant does not alter protein structure/function; Has not been previously published as pathogenic or benign to our knowledge

Labcorp Genetics (formerly Invitae), Labcorp
Classification: Uncertain significance for Tuberous sclerosis 2. Last evaluated: 2023-03-02. Review status: criteria provided, single submitter. Criteria: Invitae Variant Classification Sherloc (09022015). Collection method: clinical testing. Allele origin: germline.
Comment: This variant is not present in population databases (gnomAD no frequency). In summary, the available evidence is currently insufficient to determine the role of this variant in disease. Therefore, it has been classified as a Variant of Uncertain Significance. Advanced modeling of protein sequence and biophysical properties (such as structural, functional, and spatial information, amino acid conservation, physicochemical variation, residue mobility, and thermodynamic stability) performed at Invitae indicates that this missense variant is not expected to disrupt TSC2 protein function. ClinVar contains an entry for this variant (Variation ID: 949721). This variant has not been reported in the literature in individuals affected with TSC2-related conditions. This sequence change replaces histidine, which is basic and polar, with asparagine, which is neutral and polar, at codon 1773 of the TSC2 protein (p.His1773Asn).

PreventionGenetics, part of Exact Sciences
Classification: Uncertain significance for TSC2-related condition. Last evaluated: 2024-07-24. Review status: no assertion criteria provided. Collection method: clinical testing. Allele origin: germline. Not counted in ClinVar's aggregate classification.
Comment: The TSC2 c.5317C>A variant is predicted to result in the amino acid substitution p.His1773Asn. To our knowledge, this variant has not been reported in the literature or in a large population database, indicating this variant is rare. At this time, the clinical significance of this variant is uncertain due to the absence of conclusive functional and genetic evidence.